The following is an entry in ClinVar:

ClinVar aggregate classification (germline): Uncertain significance (1 of 4 stars; one submission).

Conditions:
Inborn genetic diseases. Identifiers: MedGen C0950123, MeSH D030342.

Allele frequency attached by ClinVar (database versions not stated): gnomAD exomes below 0.00001; ExAC 0.00001.
gnomAD v4.1: 2 of 1,609,378 alleles (0.00012%); highest among the groups gnomAD compares: Admixed American, 0.0034%; no homozygotes.

Submission:

Ambry Genetics
Classification: Uncertain significance for Inborn genetic diseases. Last evaluated: 2021-05-29. Review status: criteria provided, single submitter. Criteria: Ambry Variant Classification Scheme 2023. Collection method: clinical testing. Allele origin: germline.
Comment: The c.269-3C>T intronic alteration consists of a C to T substitution 3 nucleotides before coding exon 3 in the HIKESHI gene. Based on insufficient or conflicting evidence, the clinical significance of this alteration remains unclear.

NM_016401.4(HIKESHI):c.269-3C>T

Gene: HIKESHI (heat shock protein nuclear import factor hikeshi; plus strand). Cytogenetic location: 11q14.2.
Variant type: single nucleotide variant.
Coding change: c.269-3C>T on transcript NM_016401.4 (MANE Select); 3 bases into the intron before coding-DNA position 269, C replaced by T.
Molecular consequence: intron variant.
Genome position (GRCh38, 1-based): chr11:86,337,376, C>T. VCF-style: chr11-86337376-C-T. GRCh37 (hg19) VCF-style: chr11-86048418-C-T.
Other names: c.152-3C>T (NM_001322407.2, NM_001322409.2); c.269-3C>T (NM_001322404.2).
Identifiers: ClinVar variation 2231112 (VCV002231112.2), dbSNP rs750117019, ClinGen allele CA6216715.